The following is an entry in ClinVar:

NM_001122630.2(CDKN1C):c.413C>T (p.Pro138Leu)

Gene: CDKN1C (cyclin dependent kinase inhibitor 1C; minus strand). Cytogenetic location: 11p15.4.
Variant type: single nucleotide variant.
Coding change: c.413C>T on transcript NM_001122630.2 (MANE Select); coding-DNA position 413, C replaced by T.
Protein change: p.Pro138Leu; replaces proline 138 with leucine.
Molecular consequence: missense variant. On other transcripts: intron variant (1).
Genome position (GRCh38, 1-based): chr11:2,885,044, G>A on the plus strand (C>T on the coding strand, the complement: CDKN1C is on the minus strand). VCF-style: chr11-2885044-G-A. GRCh37 (hg19) VCF-style: chr11-2906274-G-A.
Other names: c.446C>T, p.Pro149Leu (LRG_533t1, NM_000076.2, NM_001362474.2); c.413C>T, p.Pro138Leu (NM_001122631.2); c.255+158C>T (NM_001362475.2); short protein forms P149L, P138L.
Identifiers: ClinVar variation 404244 (VCV000404244.8), dbSNP rs1060500175, ClinGen allele CA16613550.

ClinVar aggregate classification (germline): Uncertain significance. Review status: criteria provided, multiple submitters, no conflicts (2 of 4 stars). 2 submissions from 2 submitters: Uncertain significance (2). Last evaluated 2025-11-25.

Conditions:
Inborn genetic diseases. Identifiers: MedGen C0950123, MeSH D030342.
Beckwith-Wiedemann syndrome (BWS). Also called: EMG SYNDROME; Exomphalos macroglossia gigantism syndrome. Identifiers: Orphanet 116, MedGen C0004903, MONDO:0007534, OMIM 130650.

Allele frequency attached by ClinVar (database versions not stated): gnomAD exomes below 0.00001.
gnomAD v4.1: 3 of 1,338,436 alleles (0.00022%); highest among the groups gnomAD compares: Non-Finnish European, 0.00029%; no homozygotes.

Submissions (2):

Ambry Genetics
Classification: Uncertain significance for Inborn genetic diseases. Last evaluated: 2025-11-25. Review status: criteria provided, single submitter. Criteria: Ambry Variant Classification Scheme 2023. Collection method: clinical testing. Allele origin: germline.

Labcorp Genetics (formerly Invitae), Labcorp
Classification: Uncertain significance for Beckwith-Wiedemann syndrome. Last evaluated: 2025-08-07. Review status: criteria provided, single submitter. Criteria: Invitae Variant Classification Sherloc (09022015). Collection method: clinical testing. Allele origin: germline.
Comment: This sequence change replaces proline, which is neutral and non-polar, with leucine, which is neutral and non-polar, at codon 149 of the CDKN1C protein (p.Pro149Leu). This variant is not present in population databases (gnomAD no frequency). This variant has not been reported in the literature in individuals affected with CDKN1C-related conditions. ClinVar contains an entry for this variant (Variation ID: 404244). Experimental studies and prediction algorithms are not available or were not evaluated, and the functional significance of this variant is currently unknown. In summary, the available evidence is currently insufficient to determine the role of this variant in disease. Therefore, it has been classified as a Variant of Uncertain Significance.